The following is an entry in ClinVar:

NM_005004.4(NDUFB8):c.48G>C (p.Arg16Ser)

Gene: NDUFB8 (NADH:ubiquinone oxidoreductase subunit B8; minus strand). Cytogenetic location: 10q24.31.
Variant type: single nucleotide variant.
Coding change: c.48G>C on transcript NM_005004.4 (MANE Select); coding-DNA position 48, G replaced by C.
Protein change: p.Arg16Ser; replaces arginine 16 with serine.
Molecular consequence: missense variant. On other transcripts: intron variant (1).
Genome position (GRCh38, 1-based): chr10:100,529,804, C>G on the plus strand (G>C on the coding strand, the complement: NDUFB8 is on the minus strand). VCF-style: chr10-100529804-C-G. GRCh37 (hg19) VCF-style: chr10-102289561-C-G.
Other names: c.48G>C, p.Arg16Ser (NM_001284367.2); c.-9+54G>C (NM_001284368.1); short protein forms R16S.
Identifiers: ClinVar variation 1373622 (VCV001373622.6), dbSNP rs2133714889, ClinGen allele CA378177169.
Genomic context (GRCh38, chr10:100,529,804, plus strand): 5'-AGGTCTCGCCCGTTCTCGCGGACCTGTCCGTGCGCCCAGCGGCATCACGTTCCGGGATGC[C>G]CTTTGCAGCCACTGGACTCCCAAGACCCCGGCCCTGGCCACCGCCATCTTCACCTTCTTC-3'
Protein context (NP_004995.1, residues 6-26): AGVLGVQWLQ[Arg16Ser]ASRNVMPLGA

ClinVar aggregate classification (germline): Uncertain significance (1 of 4 stars; one submission).

Submission:

Labcorp Genetics (formerly Invitae), Labcorp
Classification: Uncertain significance. Last evaluated: 2021-12-02. Review status: criteria provided, single submitter. Criteria: Invitae Variant Classification Sherloc (09022015). Collection method: clinical testing. Allele origin: germline.
Comment: This sequence change replaces arginine, which is basic and polar, with serine, which is neutral and polar, at codon 16 of the NDUFB8 protein (p.Arg16Ser). This variant is not present in population databases (gnomAD no frequency). This variant has not been reported in the literature in individuals affected with NDUFB8-related conditions. Algorithms developed to predict the effect of missense changes on protein structure and function output the following: SIFT: "Tolerated"; PolyPhen-2: "Benign"; Align-GVGD: "Class C0". The serine amino acid residue is found in multiple mammalian species, which suggests that this missense change does not adversely affect protein function. In summary, the available evidence is currently insufficient to determine the role of this variant in disease. Therefore, it has been classified as a Variant of Uncertain Significance.